The following is an entry in ClinVar:

ClinVar aggregate classification (germline): Uncertain significance (1 of 4 stars; one submission).

Submission:

CeGaT Center for Human Genetics Tuebingen
Classification: Uncertain significance. Last evaluated: 2024-07-01. Review status: criteria provided, single submitter. Criteria: CeGaT Center For Human Genetics Tuebingen Variant Classification Criteria Version 2. Collection method: clinical testing. Allele origin: germline. Affected: yes. Observed: 1 variant allele.
Comment: KDM6A: PM2, PVS1:Moderate

NM_001291415.2(KDM6A):c.1581+1G>A

Gene: KDM6A (lysine demethylase 6A; plus strand). Cytogenetic location: Xp11.3.
Variant type: single nucleotide variant.
Coding change: c.1581+1G>A on transcript NM_001291415.2 (MANE Select); the canonical splice donor site of the intron after coding-DNA position 1581, G replaced by A.
Molecular consequence: splice donor variant.
Genome position (GRCh38, 1-based): chrX:45,061,420, G>A. VCF-style: chrX-45061420-G-A. GRCh37 (hg19) VCF-style: chrX-44920665-G-A.
Other names: c.1581+1G>A (NM_001419809.1, NM_001419810.1, NM_001419813.1); c.1425+1G>A (NM_001419812.1, NM_021140.4, NM_001419814.1 and 1 more transcripts); c.1446+1G>A (NM_001419811.1, NM_001291416.2); c.1290+1G>A (NM_001291417.2, NM_001419815.1, NM_001291418.2); c.537+1G>A (NM_001291421.2).
Identifiers: ClinVar variation 3257208 (VCV003257208.17).
Genomic context (GRCh38, chrX:45,061,420, plus strand): 5'-TCACATCCTCCAGTACAGCAACAAGCTCATTCATGGTGTTTGACACCACAGAAATTACAG[G>A]TATGTAAGATGTTTTTGACAAATTGTTTATTAAAAAGGAGTAGAGGTAGCAAACAAGTAT-3'